The following is an entry in ClinVar:

NM_002900.3(RBP3):c.623C>T (p.Thr208Met)

Gene: RBP3 (retinol binding protein 3; plus strand). Cytogenetic location: 10q11.22.
Variant type: single nucleotide variant.
Coding change: c.623C>T on transcript NM_002900.3 (MANE Select); coding-DNA position 623, C replaced by T.
Protein change: p.Thr208Met; replaces threonine 208 with methionine.
Molecular consequence: missense variant.
Genome position (GRCh38, 1-based): chr10:47,349,107, C>T. VCF-style: chr10-47349107-C-T. GRCh37 (hg19) VCF-style: chr10-48390255-G-A.
Other names: c.623C>T (NM_002900.2); short protein forms T208M.
Identifiers: ClinVar variation 1021473 (VCV001021473.8), dbSNP rs781920171, ClinGen allele CA5487742.

ClinVar aggregate classification (germline): Uncertain significance. Review status: criteria provided, multiple submitters, no conflicts (2 of 4 stars). 3 submissions from 3 submitters: Uncertain significance (3). Last evaluated 2025-09-09.

Conditions:
Inborn genetic diseases. Identifiers: MedGen C0950123, MeSH D030342.

Allele frequency attached by ClinVar (database versions not stated): gnomAD exomes 0.00001; TOPMed 0.00001; ExAC 0.00002; gnomAD 0.00003.

Submissions (3):

Ambry Genetics
Classification: Uncertain significance for Inborn genetic diseases. Last evaluated: 2025-09-09. Review status: criteria provided, single submitter. Criteria: Ambry Variant Classification Scheme 2023. Collection method: clinical testing. Allele origin: germline.

Blueprint Genetics
Classification: Uncertain significance. Last evaluated: 2024-03-06. Review status: criteria provided, single submitter. Criteria: ACMG Guidelines, 2015. Collection method: clinical testing. Allele origin: germline.

Labcorp Genetics (formerly Invitae), Labcorp
Classification: Uncertain significance. Last evaluated: 2023-07-14. Review status: criteria provided, single submitter. Criteria: Invitae Variant Classification Sherloc (09022015). Collection method: clinical testing. Allele origin: germline.
Comment: An algorithm developed to predict the effect of missense changes on protein structure and function (PolyPhen-2) suggests that this variant is likely to be disruptive. In summary, the available evidence is currently insufficient to determine the role of this variant in disease. Therefore, it has been classified as a Variant of Uncertain Significance. ClinVar contains an entry for this variant (Variation ID: 1021473). This variant has not been reported in the literature in individuals affected with RBP3-related conditions. This variant is present in population databases (rs781920171, gnomAD 0.002%). This sequence change replaces threonine, which is neutral and polar, with methionine, which is neutral and non-polar, at codon 208 of the RBP3 protein (p.Thr208Met).